The following is an entry in ClinVar:

NM_001206927.2(DNAH8):c.10685C>T (p.Thr3562Met)

Genes: DNAH8 (dynein axonemal heavy chain 8; plus strand), DNAH8-AS1 (DNAH8 antisense RNA 1; minus strand). Cytogenetic location: 6p21.2.
Variant type: single nucleotide variant.
Coding change: c.10685C>T on transcript NM_001206927.2 (MANE Select); coding-DNA position 10685, C replaced by T.
Protein change: p.Thr3562Met; replaces threonine 3562 with methionine.
Molecular consequence: missense variant.
Genome position (GRCh38, 1-based): chr6:38,923,080, C>T. VCF-style: chr6-38923080-C-T. GRCh37 (hg19) VCF-style: chr6-38890856-C-T.
Other names: c.10034C>T, p.Thr3345Met (NM_001371.4); short protein forms T3562M, T3345M.
Identifiers: ClinVar variation 454537 (VCV000454537.10), dbSNP rs373914023, ClinGen allele CA3790809.

ClinVar aggregate classification (germline): Conflicting classifications of pathogenicity. Review status: criteria provided, conflicting classifications (1 of 4 stars). 3 submissions from 3 submitters: Uncertain significance (1); Likely benign (1). 1 of the submissions does not count toward it. Last evaluated 2023-06-12.

Conditions:
DNAH8-related disorder. Also called: DNAH8-related condition.
Primary ciliary dyskinesia. Also called: Ciliary dyskinesia. Identifiers: Orphanet 244, MedGen C0008780, MONDO:0016575, HP:0012265.

Allele frequency attached by ClinVar (database versions not stated): TOPMed 0.00003; gnomAD 0.00006 and 0.00008; ExAC 0.00010; 1000 Genomes Project 30x 0.00047; 1000 Genomes Project 0.00060.
gnomAD v4.1: 72 of 1,613,354 alleles (0.0045%); highest among the groups gnomAD compares: East Asian, 0.098%; no homozygotes.

Submissions (3):

Ambry Genetics
Classification: Likely benign. Last evaluated: 2023-06-12. Review status: criteria provided, single submitter. Criteria: Ambry Variant Classification Scheme 2023. Collection method: clinical testing. Allele origin: germline.

Labcorp Genetics (formerly Invitae), Labcorp
Classification: Uncertain significance for Primary ciliary dyskinesia. Last evaluated: 2021-08-28. Review status: criteria provided, single submitter. Criteria: Invitae Variant Classification Sherloc (09022015). Collection method: clinical testing. Allele origin: germline.
Comment: This sequence change replaces threonine with methionine at codon 3562 of the DNAH8 protein (p.Thr3562Met). The threonine residue is weakly conserved and there is a moderate physicochemical difference between threonine and methionine. This variant is present in population databases (rs373914023, ExAC 0.1%). This variant has not been reported in the literature in individuals affected with DNAH8-related conditions. ClinVar contains an entry for this variant (Variation ID: 454537). Algorithms developed to predict the effect of missense changes on protein structure and function output the following: SIFT: "Tolerated"; PolyPhen-2: "Not Available"; Align-GVGD: "Class C0". The methionine amino acid residue is found in multiple mammalian species, which suggests that this missense change does not adversely affect protein function. In summary, the available evidence is currently insufficient to determine the role of this variant in disease. Therefore, it has been classified as a Variant of Uncertain Significance.

PreventionGenetics, part of Exact Sciences
Classification: Likely benign for DNAH8-related condition. Last evaluated: 2022-04-14. Review status: no assertion criteria provided. Collection method: clinical testing. Allele origin: germline. Not counted in ClinVar's aggregate classification.
Comment: This variant is classified as likely benign based on ACMG/AMP sequence variant interpretation guidelines (Richards et al. 2015 PMID: 25741868, with internal and published modifications).